The following is an entry in ClinVar:

ClinVar aggregate classification (germline): Benign/Likely benign. Review status: criteria provided, multiple submitters, no conflicts (2 of 4 stars). 3 submissions from 3 submitters: Benign (1); Likely benign (1). 1 of the submissions does not count toward it. Last evaluated 2026-07-01.

Conditions:
FBXO11-related disorder. Also called: FBXO11-related condition.

Allele frequency attached by ClinVar (database versions not stated): ESP Exome Variant Server 0.00015; TOPMed 0.00026; gnomAD 0.00028 and 0.00029; gnomAD exomes 0.00032; ExAC 0.00039.
gnomAD v4.1: 578 of 1,611,044 alleles (0.036%); highest among the groups gnomAD compares: Non-Finnish European, 0.046%; no homozygotes.

Submissions (3):

CeGaT Center for Human Genetics Tuebingen
Classification: Likely benign. Last evaluated: 2026-07-01. Review status: criteria provided, single submitter. Criteria: CeGaT Center For Human Genetics Tuebingen Variant Classification Criteria Version 2. Collection method: clinical testing. Allele origin: germline. Affected: yes. Observed: 8 variant alleles.
Comment: FBXO11: BP4, BP7

Labcorp Genetics (formerly Invitae), Labcorp
Classification: Benign. Last evaluated: 2025-07-30. Review status: criteria provided, single submitter. Criteria: Invitae Variant Classification Sherloc (09022015). Collection method: clinical testing. Allele origin: germline.

PreventionGenetics, part of Exact Sciences
Classification: Likely benign for FBXO11-related condition. Last evaluated: 2019-05-31. Review status: no assertion criteria provided. Collection method: clinical testing. Allele origin: germline. Not counted in ClinVar's aggregate classification.
Comment: This variant is classified as likely benign based on ACMG/AMP sequence variant interpretation guidelines (Richards et al. 2015 PMID: 25741868, with internal and published modifications).

NM_001190274.2(FBXO11):c.2436G>A (p.Val812=)

Genes: FBXO11 (F-box protein 11; minus strand), MSH6 (mutS homolog 6; plus strand). Cytogenetic location: 2p16.3.
Variant type: single nucleotide variant.
Coding change: c.2436G>A on transcript NM_001190274.2 (MANE Select); coding-DNA position 2436, G replaced by A.
Protein change: p.Val812=; no amino-acid change (valine 812 retained).
Molecular consequence: synonymous variant.
Genome position (GRCh38, 1-based): chr2:47,809,610, C>T on the plus strand (G>A on the coding strand, the complement: FBXO11 is on the minus strand). VCF-style: chr2-47809610-C-T. GRCh37 (hg19) VCF-style: chr2-48036749-C-T.
Other names: c.2184G>A, p.Val728= (NM_001374325.1, NM_025133.4); c.2436G>A (NM_001190274.1).
Identifiers: ClinVar variation 1672940 (VCV001672940.34), dbSNP rs148676301, ClinGen allele CA069582.